The following is an entry in ClinVar:

ClinVar aggregate classification (germline): Uncertain significance (1 of 4 stars; one submission).

Conditions:
Gastrointestinal stromal tumor. Also called: Gastrointestinal stromal tumor, somatic; Gastrointestinal stroma tumor. Identifiers: Orphanet 44890, MedGen C0238198, MeSH D046152, MONDO:0011719, OMIM 606764, HP:0100723.

Submission:

Labcorp Genetics (formerly Invitae), Labcorp
Classification: Uncertain significance for Gastrointestinal stromal tumor. Last evaluated: 2023-11-02. Review status: criteria provided, single submitter. Criteria: Invitae Variant Classification Sherloc (09022015). Collection method: clinical testing. Allele origin: germline.
Comment: This sequence change replaces aspartic acid, which is acidic and polar, with glycine, which is neutral and non-polar, at codon 983 of the PDGFRA protein (p.Asp983Gly). This variant is not present in population databases (gnomAD no frequency). This variant has not been reported in the literature in individuals affected with PDGFRA-related conditions. Advanced modeling of protein sequence and biophysical properties (such as structural, functional, and spatial information, amino acid conservation, physicochemical variation, residue mobility, and thermodynamic stability) performed at Invitae indicates that this missense variant is not expected to disrupt PDGFRA protein function with a negative predictive value of 80%. In summary, the available evidence is currently insufficient to determine the role of this variant in disease. Therefore, it has been classified as a Variant of Uncertain Significance.

NM_006206.6(PDGFRA):c.2948A>G (p.Asp983Gly)

Gene: PDGFRA (platelet derived growth factor receptor alpha; plus strand). Cytogenetic location: 4q12.
Variant type: single nucleotide variant.
Coding change: c.2948A>G on transcript NM_006206.6 (MANE Select); coding-DNA position 2948, A replaced by G.
Protein change: p.Asp983Gly; replaces aspartic acid 983 with glycine.
Molecular consequence: missense variant.
Genome position (GRCh38, 1-based): chr4:54,290,380, A>G. VCF-style: chr4-54290380-A-G. GRCh37 (hg19) VCF-style: chr4-55156547-A-G.
Other names: c.3023A>G, p.Asp1008Gly (NM_001347828.2); c.2948A>G, p.Asp983Gly (NM_001347829.2); c.2987A>G, p.Asp996Gly (NM_001347830.2); short protein forms D1008G, D983G, D996G.
Identifiers: ClinVar variation 2743623 (VCV002743623.3), dbSNP rs2110348317, ClinGen allele CA356896049.